The following is an entry in ClinVar:

ClinVar aggregate classification (germline): Likely benign (1 of 4 stars; one submission).

Allele frequency attached by ClinVar (database versions not stated): ExAC 0.00106; ESP Exome Variant Server 0.00231.

Submission:

CeGaT Center for Human Genetics Tuebingen
Classification: Likely benign. Last evaluated: 2023-10-01. Review status: criteria provided, single submitter. Criteria: CeGaT Center For Human Genetics Tuebingen Variant Classification Criteria Version 2. Collection method: clinical testing. Allele origin: germline. Affected: yes. Observed: 1 variant allele.
Comment: NBPF1: BP4, BP7

NM_001405666.3(NBPF1):c.4950A>T (p.Ser1650=)

Gene: NBPF1 (NBPF member 1). Cytogenetic location: 1p36.13.
Variant type: single nucleotide variant.
Coding change: c.4950A>T on transcript NM_001405666.3 (MANE Select); coding-DNA position 4950, A replaced by T.
Protein change: p.Ser1650=; no amino-acid change (serine 1650 retained).
Molecular consequence: synonymous variant.
Genome position (GRCh38, 1-based): chr1:16,564,108, T>A on the plus strand (A>T on the coding strand, the complement: NBPF1 is on the minus strand). VCF-style: chr1-16564108-T-A. GRCh37 (hg19) VCF-style: chr1-16890603-T-A.
Other names: c.4299A>T, p.Ser1433= (NM_001405667.2); c.4215A>T, p.Ser1405= (NM_001405668.2, NM_001405669.2, NM_001405670.2 and 7 more transcripts); c.4122A>T, p.Ser1374= (NM_001405678.2); c.4044A>T, p.Ser1348= (NM_001405679.2); c.3564A>T, p.Ser1188= (NM_001405680.2, NM_001405681.2, NM_001405682.2); c.3480A>T, p.Ser1160= (NM_001405683.2, NM_001405684.2, NM_001405685.2 and 8 more transcripts); c.3402A>T, p.Ser1134= (NM_001405697.2); c.3393A>T, p.Ser1131= (NM_001405698.2); and 3 more.
Identifiers: ClinVar variation 2638361 (VCV002638361.23), dbSNP rs374112433, ClinGen allele CA628632.